The following is an entry in ClinVar:

ClinVar aggregate classification (germline): Uncertain significance (1 of 4 stars; one submission).

Submission:

Labcorp Genetics (formerly Invitae), Labcorp
Classification: Uncertain significance. Last evaluated: 2021-04-11. Review status: criteria provided, single submitter. Criteria: Invitae Variant Classification Sherloc (09022015). Collection method: clinical testing. Allele origin: germline.
Comment: This sequence change replaces proline with serine at codon 529 of the COL4A5 protein (p.Pro529Ser). The proline residue is moderately conserved and there is a moderate physicochemical difference between proline and serine. This variant is not present in population databases (ExAC no frequency). This variant has not been reported in the literature in individuals with COL4A5-related conditions. Algorithms developed to predict the effect of missense changes on protein structure and function are either unavailable or do not agree on the potential impact of this missense change (SIFT: "Tolerated"; PolyPhen-2: "Not Available"; Align-GVGD: "Class C0"). In summary, the available evidence is currently insufficient to determine the role of this variant in disease. Therefore, it has been classified as a Variant of Uncertain Significance.

NM_033380.3(COL4A5):c.1585C>T (p.Pro529Ser)

Gene: COL4A5 (collagen type IV alpha 5 chain; plus strand). Cytogenetic location: Xq22.3.
Variant type: single nucleotide variant.
Coding change: c.1585C>T on transcript NM_033380.3 (MANE Select); coding-DNA position 1585, C replaced by T.
Protein change: p.Pro529Ser; replaces proline 529 with serine.
Molecular consequence: missense variant.
Genome position (GRCh38, 1-based): chrX:108,597,066, C>T. VCF-style: chrX-108597066-C-T. GRCh37 (hg19) VCF-style: chrX-107840296-C-T.
Other names: c.1585C>T, p.Pro529Ser (NM_000495.5); short protein forms P529S.
Identifiers: ClinVar variation 1943137 (VCV001943137.2), dbSNP rs2524305701, ClinGen allele CA413845184.